The following is an entry in ClinVar:

NM_006734.4(HIVEP2):c.5840C>G (p.Pro1947Arg)

Gene: HIVEP2 (HIVEP zinc finger 2; minus strand). Cytogenetic location: 6q24.2.
Variant type: single nucleotide variant.
Coding change: c.5840C>G on transcript NM_006734.4 (MANE Select); coding-DNA position 5840, C replaced by G.
Protein change: p.Pro1947Arg; replaces proline 1947 with arginine.
Molecular consequence: missense variant.
Genome position (GRCh38, 1-based): chr6:142,760,448, G>C on the plus strand (C>G on the coding strand, the complement: HIVEP2 is on the minus strand). VCF-style: chr6-142760448-G-C. GRCh37 (hg19) VCF-style: chr6-143081585-G-C.
Other names: c.5840C>G, p.Pro1947Arg (NM_001438449.1, NM_001438450.1, NM_001438451.1); short protein forms P1947R.
Identifiers: ClinVar variation 4809449 (VCV004809449.1).

ClinVar aggregate classification (germline): Uncertain significance (1 of 4 stars; one submission).

gnomAD v4.1: 25 of 1,614,164 alleles (0.0015%); highest among the groups gnomAD compares: Non-Finnish European, 0.0021%; no homozygotes.

Submission:

Labcorp Genetics (formerly Invitae), Labcorp
Classification: Uncertain significance. Last evaluated: 2025-04-02. Review status: criteria provided, single submitter. Criteria: Invitae Variant Classification Sherloc (09022015). Collection method: clinical testing. Allele origin: germline.
Comment: This sequence change replaces proline, which is neutral and non-polar, with arginine, which is basic and polar, at codon 1947 of the HIVEP2 protein (p.Pro1947Arg). This variant is not present in population databases (gnomAD no frequency). This variant has not been reported in the literature in individuals affected with HIVEP2-related conditions. Invitae Evidence Modeling of protein sequence and biophysical properties (such as structural, functional, and spatial information, amino acid conservation, physicochemical variation, residue mobility, and thermodynamic stability) indicates that this missense variant is not expected to disrupt HIVEP2 protein function with a negative predictive value of 80%. In summary, the available evidence is currently insufficient to determine the role of this variant in disease. Therefore, it has been classified as a Variant of Uncertain Significance.